The following is an entry in ClinVar:

NM_006096.4(NDRG1):c.1053A>C (p.Arg351=)

Gene: NDRG1 (N-myc downstream regulated 1; minus strand). Cytogenetic location: 8q24.22.
Variant type: single nucleotide variant.
Coding change: c.1053A>C on transcript NM_006096.4 (MANE Select); coding-DNA position 1053, A replaced by C.
Protein change: p.Arg351=; no amino-acid change (arginine 351 retained).
Molecular consequence: synonymous variant.
Genome position (GRCh38, 1-based): chr8:133,239,010, T>G on the plus strand (A>C on the coding strand, the complement: NDRG1 is on the minus strand). VCF-style: chr8-133239010-T-G. GRCh37 (hg19) VCF-style: chr8-134251253-T-G.
Other names: c.1053A>C, p.Arg351= (NM_001135242.2, NM_001374845.1, NM_001374846.1); c.855A>C, p.Arg285= (NM_001258432.2, NM_001374847.1); c.810A>C, p.Arg270= (NM_001258433.2); c.1104A>C, p.Arg368= (NM_001374844.1).
Identifiers: ClinVar variation 917390 (VCV000917390.17), dbSNP rs370153201, ClinGen allele CA4886437.

ClinVar aggregate classification (germline): Likely benign. Review status: criteria provided, multiple submitters, no conflicts (2 of 4 stars). 4 submissions from 4 submitters: Likely benign (4). Last evaluated 2026-06-01.

Conditions:
Charcot-Marie-Tooth disease. Also called: Charcot-Marie-Tooth Neuropathy; Charcot-Marie-Tooth Hereditary Neuropathy. Identifiers: Orphanet 166, MedGen C0007959, MONDO:0015626.
Charcot-Marie-Tooth disease type 4. Also called: Charcot-Marie-Tooth disease, type IV; Charcot-Marie-Tooth, Type 4. Identifiers: Orphanet 64749, MedGen C4082197, MONDO:0018995.

Allele frequency attached by ClinVar (database versions not stated): gnomAD exomes 0.00002 and 0.00005; gnomAD 0.00009 and 0.00010; ExAC 0.00013; 1000 Genomes Project 0.00240.
gnomAD v4.1: 53 of 1,593,980 alleles (0.0033%); highest among the groups gnomAD compares: African/African-American, 0.015%; no homozygotes.

Submissions (4):

CeGaT Center for Human Genetics Tuebingen
Classification: Likely benign. Last evaluated: 2026-06-01. Review status: criteria provided, single submitter. Criteria: CeGaT Center For Human Genetics Tuebingen Variant Classification Criteria Version 2. Collection method: clinical testing. Allele origin: germline. Affected: yes. Observed: 2 variant alleles.
Comment: NDRG1: BP4, BP7

Labcorp Genetics (formerly Invitae), Labcorp
Classification: Likely benign for Charcot-Marie-Tooth disease type 4. Last evaluated: 2025-08-12. Review status: criteria provided, single submitter. Criteria: Invitae Variant Classification Sherloc (09022015). Collection method: clinical testing. Allele origin: germline.

Breakthrough Genomics
Classification: Likely benign. Review status: criteria provided, single submitter. Criteria: ACMG Guidelines, 2015. Collection method: not provided. Allele origin: germline. Inheritance: Autosomal recessive inheritance. Affected: yes.

Molecular Genetics Laboratory, London Health Sciences Centre
Classification: Likely benign for Charcot-Marie-Tooth disease. Review status: criteria provided, single submitter. Criteria: ACMG Guidelines, 2015. Collection method: clinical testing. Allele origin: germline. Affected: yes.